The following is an entry in ClinVar:

ClinVar aggregate classification (germline): Likely benign. Review status: criteria provided, multiple submitters, no conflicts (2 of 4 stars). 2 submissions from 2 submitters: Likely benign (2). Last evaluated 2024-02-14.

Allele frequency attached by ClinVar (database versions not stated): gnomAD exomes below 0.00001; TOPMed below 0.00001.
gnomAD v4.1: 1 of 1,551,668 alleles (0.000064%); highest among the groups gnomAD compares: Non-Finnish European, 0.000087%; no homozygotes.

Submissions (2):

Labcorp Genetics (formerly Invitae), Labcorp
Classification: Likely benign. Last evaluated: 2024-02-14. Review status: criteria provided, single submitter. Criteria: Invitae Variant Classification Sherloc (09022015). Collection method: clinical testing. Allele origin: germline.

Laboratory for Molecular Medicine, Mass General Brigham Personalized Medicine
Classification: Likely benign. Last evaluated: 2016-03-29. Review status: criteria provided, single submitter. Criteria: LMM Criteria. Collection method: clinical testing. Allele origin: germline. Observed: 1 variant allele.
Comment: p.Gln390Gln in exon 9 of LOXHD1: This variant is not expected to have clinical s ignificance because it does not alter an amino acid residue and is not located w ithin the splice consensus sequence.

NM_001384474.1(LOXHD1):c.1170G>A (p.Gln390=)

Gene: LOXHD1 (lipoxygenase homology PLAT domains 1; minus strand). Cytogenetic location: 18q21.1.
Variant type: single nucleotide variant.
Coding change: c.1170G>A on transcript NM_001384474.1 (MANE Select); coding-DNA position 1170, G replaced by A.
Protein change: p.Gln390=; no amino-acid change (glutamine 390 retained).
Molecular consequence: synonymous variant.
Genome position (GRCh38, 1-based): chr18:46,594,431, C>T on the plus strand (G>A on the coding strand, the complement: LOXHD1 is on the minus strand). VCF-style: chr18-46594431-C-T. GRCh37 (hg19) VCF-style: chr18-44174394-C-T.
Other names: c.1170G>A, p.Gln390= (NM_144612.7).
Identifiers: ClinVar variation 227509 (VCV000227509.12), dbSNP rs876657492, ClinGen allele CA10577086.